The following is an entry in ClinVar:

NM_000937.5(POLR2A):c.2762G>A (p.Arg921His)

Gene: POLR2A (RNA polymerase II subunit A; plus strand). Cytogenetic location: 17p13.1.
Variant type: single nucleotide variant.
Coding change: c.2762G>A on transcript NM_000937.5 (MANE Select); coding-DNA position 2762, G replaced by A.
Protein change: p.Arg921His; replaces arginine 921 with histidine.
Molecular consequence: missense variant.
Genome position (GRCh38, 1-based): chr17:7,503,126, G>A. VCF-style: chr17-7503126-G-A. GRCh37 (hg19) VCF-style: chr17-7406445-G-A.
Other names: short protein forms R921H.
Identifiers: ClinVar variation 2521522 (VCV002521522.26), dbSNP rs200835893, ClinGen allele CA8349800.

ClinVar aggregate classification (germline): Conflicting classifications of pathogenicity. Review status: criteria provided, conflicting classifications (1 of 4 stars). 2 submissions from 2 submitters: Uncertain significance (1); Likely benign (1). Last evaluated 2023-05-09.

Conditions:
Inborn genetic diseases. Identifiers: MedGen C0950123, MeSH D030342.

Allele frequency attached by ClinVar (database versions not stated): gnomAD exomes 0.00002; ExAC 0.00003; TOPMed 0.00004; gnomAD 0.00006.

Submissions (2):

Ambry Genetics
Classification: Uncertain significance for Inborn genetic diseases. Last evaluated: 2023-05-09. Review status: criteria provided, single submitter. Criteria: Ambry Variant Classification Scheme 2023. Collection method: clinical testing. Allele origin: germline.

CeGaT Center for Human Genetics Tuebingen
Classification: Likely benign. Last evaluated: 2023-01-01. Review status: criteria provided, single submitter. Criteria: CeGaT Center For Human Genetics Tuebingen Variant Classification Criteria Version 2. Collection method: clinical testing. Allele origin: germline. Affected: yes. Observed: 1 variant allele.
Comment: POLR2A: PP2, BS2